The following is an entry in ClinVar:

NM_005337.5(NCKAP1L):c.2719C>T (p.Arg907Cys)

Gene: NCKAP1L (NCK associated protein 1 like; plus strand). Cytogenetic location: 12q13.2.
Variant type: single nucleotide variant.
Coding change: c.2719C>T on transcript NM_005337.5 (MANE Select); coding-DNA position 2719, C replaced by T.
Protein change: p.Arg907Cys; replaces arginine 907 with cysteine.
Molecular consequence: missense variant.
Genome position (GRCh38, 1-based): chr12:54,531,763, C>T. VCF-style: chr12-54531763-C-T. GRCh37 (hg19) VCF-style: chr12-54925547-C-T.
Other names: c.2569C>T, p.Arg857Cys (NM_001184976.2); short protein forms R857C, R907C.
Identifiers: ClinVar variation 4848926 (VCV004848926.1).

ClinVar aggregate classification (germline): Uncertain significance (1 of 4 stars; one submission).

gnomAD v4.1: 5 of 1,612,556 alleles (0.00031%); highest among the groups gnomAD compares: Non-Finnish European, 0.00042%; no homozygotes.

Submission:

Women's Health and Genetics/Laboratory Corporation of America, LabCorp
Classification: Uncertain significance. Last evaluated: 2026-04-03. Review status: criteria provided, single submitter. Criteria: LabCorp Variant Classification Summary - May 2015. Collection method: clinical testing. Allele origin: germline.
Comment: Variant summary: NCKAP1L c.2719C>T (p.Arg907Cys) results in a non-conservative amino acid change in the encoded protein sequence. Algorithms developed to predict the effect of missense changes on protein structure and function are either unavailable or do not agree on the potential impact of this missense change. The variant was absent in 251242 control chromosomes. The available data on variant occurrences in the general population are insufficient to allow any conclusion about variant significance. To our knowledge, no occurrence of c.2719C>T in individuals affected with NCKAP1L-related conditions and no experimental evidence demonstrating its impact on protein function have been reported. No submitters have cited clinical-significance assessments for this variant to ClinVar. Based on the evidence outlined above, the variant was classified as uncertain significance.